The following is an entry in ClinVar:

ClinVar aggregate classification (germline): Uncertain significance (1 of 4 stars; one submission).

Conditions:
Cardiovascular phenotype. Identifiers: MedGen CN230736.

gnomAD v4.1: 6 of 1,614,052 alleles (0.00037%); highest among the groups gnomAD compares: Non-Finnish European, 0.00051%; no homozygotes.

Submission:

Ambry Genetics
Classification: Uncertain significance for Cardiovascular phenotype. Last evaluated: 2024-10-15. Review status: criteria provided, single submitter. Criteria: Ambry Variant Classification Scheme 2023. Collection method: clinical testing. Allele origin: germline.
Comment: The p.M696I variant (also known as c.2088G>A), located in coding exon 12 of the EPHB4 gene, results from a G to A substitution at nucleotide position 2088. The methionine at codon 696 is replaced by isoleucine, an amino acid with highly similar properties. This amino acid position is conserved. In addition, this alteration is predicted to be deleterious by in silico analysis. Based on the available evidence, the clinical significance of this variant remains unclear.

NM_004444.5(EPHB4):c.2088G>A (p.Met696Ile)

Gene: EPHB4 (EPH receptor B4; minus strand). Cytogenetic location: 7q22.1.
Variant type: single nucleotide variant.
Coding change: c.2088G>A on transcript NM_004444.5 (MANE Select); coding-DNA position 2088, G replaced by A.
Protein change: p.Met696Ile; replaces methionine 696 with isoleucine.
Molecular consequence: missense variant.
Genome position (GRCh38, 1-based): chr7:100,812,777, C>T on the plus strand (G>A on the coding strand, the complement: EPHB4 is on the minus strand). VCF-style: chr7-100812777-C-T. GRCh37 (hg19) VCF-style: chr7-100410399-C-T.
Other names: short protein forms M696I.
Identifiers: ClinVar variation 3509397 (VCV003509397.1).